The following is an entry in ClinVar:

NM_006346.4(PIBF1):c.1171del (p.Glu391fs)

Gene: PIBF1 (progesterone immunomodulatory binding factor 1; plus strand). Cytogenetic location: 13q22.1.
Variant type: Deletion.
Coding change: c.1171del on transcript NM_006346.4 (MANE Select); coding-DNA position 1171, one base deleted (G; older notation c.1171delG).
Protein change: p.Glu391fs; shifts the reading frame from glutamic acid 391.
Molecular consequence: frameshift variant. On other transcripts: non-coding transcript variant (2).
Genome position (GRCh38, 1-based): chr13:72,835,316, G deleted. VCF-style (leftmost placement, unchanged base first): chr13-72835315-AG-A. GRCh37 (hg19) VCF-style: chr13-73409453-AG-A.
Other names: c.1171del, p.Glu391fs (NM_001349655.2); short protein forms E391fs.
Identifiers: ClinVar variation 4850441 (VCV004850441.1).
Genomic context (GRCh38, chr13:72,835,315, plus strand): 5'-AACAGAATATGAAAATAAACTACATGATGAACTAGAACAAATCAGATTGAAAACCAACCA[AG>A]AAATTGATCAACTTCGAAATGCCTCTAGGGAAATGTATGAACGAGAAAACAGGTAAAAAA-3'

ClinVar aggregate classification (germline): Likely pathogenic (1 of 4 stars; one submission).

Conditions:
Joubert syndrome 33. Identifiers: MedGen C4540389, MONDO:0033311, OMIM 617767.

Submission:

First Genomix Gene Laboratory, Genetic Diagnostics Department
Classification: Likely pathogenic for Joubert syndrome 33. Last evaluated: 2025-09-25. Review status: criteria provided, single submitter. Criteria: ACMG Guidelines, 2015. Collection method: clinical testing. Allele origin: germline. Inheritance: Autosomal recessive inheritance. Affected: no. Observed: 1 variant allele.